The following is an entry in ClinVar:

NM_000051.4(ATM):c.5920A>G (p.Ser1974Gly)

Genes: ATM (ATM serine/threonine kinase; plus strand), C11orf65 (chromosome 11 open reading frame 65; minus strand). Cytogenetic location: 11q22.3.
Variant type: single nucleotide variant.
Coding change: c.5920A>G on transcript NM_000051.4 (MANE Select); coding-DNA position 5920, A replaced by G.
Protein change: p.Ser1974Gly; replaces serine 1974 with glycine.
Molecular consequence: missense variant. On other transcripts: intron variant (2).
Genome position (GRCh38, 1-based): chr11:108,312,412, A>G. VCF-style: chr11-108312412-A-G. GRCh37 (hg19) VCF-style: chr11-108183139-A-G.
Other names: c.5920A>G, p.Ser1974Gly (NM_001351834.2); c.641-3341T>C (NM_001330368.2); c.*39-3341T>C (NM_001351110.2); short protein forms S1974G.
Identifiers: ClinVar variation 4735392 (VCV004735392.1).

ClinVar aggregate classification (germline): Uncertain significance (1 of 4 stars; one submission).

Conditions:
Ataxia-telangiectasia syndrome (AT). Also called: Ataxia-telangiectasia, complementation group D; AT, COMPLEMENTATION GROUP C; ATAXIA-TELANGIECTASIA, COMPLEMENTATION GROUP A; ATAXIA-TELANGIECTASIA, FRESNO VARIANT; Ataxia-telangiectasia; Ataxia-telangiectasia, complementation group E. Identifiers: Orphanet 100, MedGen C0004135, MONDO:0008840, OMIM 208900.

Submission:

Labcorp Genetics (formerly Invitae), Labcorp
Classification: Uncertain significance for Ataxia-telangiectasia syndrome. Last evaluated: 2026-01-14. Review status: criteria provided, single submitter. Criteria: Invitae Variant Classification Sherloc (09022015). Collection method: clinical testing. Allele origin: germline.
Comment: This sequence change replaces serine, which is neutral and polar, with glycine, which is neutral and non-polar, at codon 1974 of the ATM protein (p.Ser1974Gly). This variant is not present in population databases (gnomAD no frequency). This variant has not been reported in the literature in individuals affected with ATM-related conditions. An algorithm developed to predict the effect of missense changes on protein structure and function (PolyPhen-2) suggests that this variant is likely to be tolerated. In summary, the available evidence is currently insufficient to determine the role of this variant in disease. Therefore, it has been classified as a Variant of Uncertain Significance.